The following is an entry in ClinVar:

NM_000182.5(HADHA):c.474C>A (p.Tyr158Ter)

Gene: HADHA (hydroxyacyl-CoA dehydrogenase trifunctional multienzyme complex subunit alpha; minus strand). Cytogenetic location: 2p23.3.
Variant type: single nucleotide variant.
Coding change: c.474C>A on transcript NM_000182.5 (MANE Select); coding-DNA position 474, C replaced by A.
Protein change: p.Tyr158Ter; replaces tyrosine 158 with a stop codon.
Molecular consequence: nonsense.
Genome position (GRCh38, 1-based): chr2:26,232,259, G>T on the plus strand (C>A on the coding strand, the complement: HADHA is on the minus strand). VCF-style: chr2-26232259-G-T. GRCh37 (hg19) VCF-style: chr2-26455127-G-T.
Other names: short protein forms Y158*.
Identifiers: ClinVar variation 983590 (VCV000983590.4), dbSNP rs11552518, ClinGen allele CA346093308.

ClinVar aggregate classification (germline): Likely pathogenic (1 of 4 stars; one submission).

Conditions:
Long chain 3-hydroxyacyl-CoA dehydrogenase deficiency. Also called: LCHAD Deficiency; Deficiency of long-chain 3-hydroxyacyl-coenzyme A dehydrogenase. Identifiers: Orphanet 5, MedGen C3711645, MONDO:0012173, OMIM 609016.

Submission:

Myriad Genetics, Inc.
Classification: Likely pathogenic for Long chain 3-hydroxyacyl-CoA dehydrogenase deficiency. Last evaluated: 2019-03-01. Review status: criteria provided, single submitter. Criteria: Myriad Autosomal Dominant, Autosomal Recessive and X-Linked Classification Criteria (2023). Collection method: clinical testing. Allele origin: unknown.
Comment: NM_000182.4(HADHA):c.474C>A(Y158*) is expected to be pathogenic in the context of HADHA-related disorders. This variant is predicted to lead to an abnormal or absent protein product due to the creation of a premature termination codon in HADHA, a gene where loss-of-function variants are known to be pathogenic. Please note: this variant was assessed in the context of healthy population screening.